The following is an entry in ClinVar:

ClinVar aggregate classification (germline): Pathogenic/Likely pathogenic. Review status: criteria provided, multiple submitters, no conflicts (2 of 4 stars). 5 submissions from 5 submitters: Pathogenic (3); Likely pathogenic (1). 1 of the submissions does not count toward it. Last evaluated 2026-01-09.

Conditions:
Curry-Hall syndrome (WAD). Also called: WEYERS ACRODENTAL DYSOSTOSIS. Identifiers: Orphanet 952, MedGen C0457013, MONDO:0008673, OMIM 193530.
Ellis-van Creveld syndrome (EVC). Also called: MESOECTODERMAL DYSPLASIA; EVC-Related Ellis-van Creveld Syndrome; EVC2-Related Ellis-van Creveld Syndrome; Chondroectodermal dysplasia. Identifiers: Orphanet 289, MedGen C0013903, MONDO:0009162, OMIM 225500.

Allele frequency attached by ClinVar (database versions not stated): gnomAD exomes below 0.00001 and 0.00001; gnomAD 0.00005 and 0.00006; TOPMed 0.00005.
gnomAD v4.1: 20 of 1,614,048 alleles (0.0012%); highest among the groups gnomAD compares: African/African-American, 0.004%; no homozygotes.

Submissions (5):

Labcorp Genetics (formerly Invitae), Labcorp
Classification: Pathogenic for Curry-Hall syndrome; Ellis-van Creveld syndrome. Last evaluated: 2026-01-09. Review status: criteria provided, single submitter. Criteria: Invitae Variant Classification Sherloc (09022015). Collection method: clinical testing. Allele origin: germline.
Comment: This sequence change creates a premature translational stop signal (p.Lys342*) in the EVC2 gene. It is expected to result in an absent or disrupted protein product. Loss-of-function variants in EVC2 are known to be pathogenic (PMID: 17024374, 19810119, 19876929). This variant is present in population databases (no rsID available, gnomAD 0.002%). This premature translational stop signal has been observed in individuals with EVC2-related conditions (PMID: 23220543). ClinVar contains an entry for this variant (Variation ID: 550367). For these reasons, this variant has been classified as Pathogenic.

GeneDx
Classification: Pathogenic. Last evaluated: 2023-11-14. Review status: criteria provided, single submitter. Criteria: GeneDx Variant Classification Process June 2021. Collection method: clinical testing. Allele origin: germline. Affected: yes.
Comment: Also reported in a fetus with a second variant with clinical features of Ellis-Van Creveld syndrome (PMID: 23220543); Nonsense variant predicted to result in protein truncation or nonsense mediated decay in a gene for which loss of function is a known mechanism of disease; Not observed at significant frequency in large population cohorts (gnomAD); This variant is associated with the following publications: (PMID: 25525159, 23220543, 19251731)

Fulgent Genetics
Classification: Likely pathogenic for Curry-Hall syndrome; Ellis-van Creveld syndrome. Last evaluated: 2022-03-08. Review status: criteria provided, single submitter. Criteria: ACMG Guidelines, 2015. Collection method: clinical testing. Allele origin: unknown.

Baylor Genetics
Classification: Pathogenic for Curry-Hall syndrome. Last evaluated: 2019-06-12. Review status: criteria provided, single submitter. Criteria: ACMG Guidelines, 2015. Collection method: clinical testing. Allele origin: unknown. Affected: yes.
Comment: This variant was determined to be pathogenic according to ACMG Guidelines, 2015 [PMID:25741868]. This variant has been previously reported as disease-causing in homozygous state [PMID 19251731]

Counsyl
Classification: Pathogenic for Ellis-van Creveld syndrome. Last evaluated: 2017-01-11. Review status: no assertion criteria provided. Collection method: clinical testing. Allele origin: unknown. Not counted in ClinVar's aggregate classification.

Literature cited by the submitters: PubMed 17024374 (cited by Labcorp Genetics (formerly Invitae), Labcorp); PubMed 19810119 (cited by Labcorp Genetics (formerly Invitae), Labcorp); PubMed 19876929 (cited by Labcorp Genetics (formerly Invitae), Labcorp); PubMed 23220543 (cited by Labcorp Genetics (formerly Invitae), Labcorp and Counsyl); PubMed 19251731 (cited by Baylor Genetics and Counsyl).

NM_147127.5(EVC2):c.1024A>T (p.Lys342Ter)

Gene: EVC2 (EvC ciliary complex subunit 2; minus strand). Cytogenetic location: 4p16.2.
Variant type: single nucleotide variant.
Coding change: c.1024A>T on transcript NM_147127.5 (MANE Select); coding-DNA position 1024, A replaced by T.
Protein change: p.Lys342Ter; replaces lysine 342 with a stop codon.
Molecular consequence: nonsense.
Genome position (GRCh38, 1-based): chr4:5,663,228, T>A on the plus strand (A>T on the coding strand, the complement: EVC2 is on the minus strand). VCF-style: chr4-5663228-T-A. GRCh37 (hg19) VCF-style: chr4-5664955-T-A.
Other names: c.784A>T, p.Lys262Ter (NM_001166136.2); short protein forms K342*, K262*.
Identifiers: ClinVar variation 550367 (VCV000550367.15), dbSNP rs767072839, ClinGen allele CA356141997.